The following is an entry in ClinVar:

ClinVar aggregate classification (germline): Uncertain significance (1 of 4 stars; one submission).

gnomAD v4.1: 2 of 1,613,710 alleles (0.00012%); highest among the groups gnomAD compares: Non-Finnish European, 0.00017%; no homozygotes.

Submission:

Labcorp Genetics (formerly Invitae), Labcorp
Classification: Uncertain significance. Last evaluated: 2025-04-13. Review status: criteria provided, single submitter. Criteria: Invitae Variant Classification Sherloc (09022015). Collection method: clinical testing. Allele origin: germline.
Comment: This sequence change replaces methionine, which is neutral and non-polar, with threonine, which is neutral and polar, at codon 420 of the REST protein (p.Met420Thr). This variant is not present in population databases (gnomAD no frequency). This missense change has been observed in individual(s) with Wilms tumor (PMID: 26551668). An algorithm developed to predict the effect of missense changes on protein structure and function (PolyPhen-2) suggests that this variant is likely to be disruptive. Experimental studies have shown that this missense change affects REST function (PMID: 26551668). In summary, the available evidence is currently insufficient to determine the role of this variant in disease. Therefore, it has been classified as a Variant of Uncertain Significance.

Literature cited by the submitters: PubMed 26551668.

NM_005612.5(REST):c.1259T>C (p.Met420Thr)

Gene: REST (RE1 silencing transcription factor; plus strand). Cytogenetic location: 4q12.
Variant type: single nucleotide variant.
Coding change: c.1259T>C on transcript NM_005612.5 (MANE Select); coding-DNA position 1259, T replaced by C.
Protein change: p.Met420Thr; replaces methionine 420 with threonine.
Molecular consequence: missense variant.
Genome position (GRCh38, 1-based): chr4:56,930,117, T>C. VCF-style: chr4-56930117-T-C. GRCh37 (hg19) VCF-style: chr4-57796283-T-C.
Other names: c.1259T>C, p.Met420Thr (NM_001193508.2, NM_001363453.3); c.1175T>C, p.Met392Thr (NM_001440532.1, NM_001440533.1); short protein forms M420T, M392T.
Identifiers: ClinVar variation 4702788 (VCV004702788.1).